The following is an entry in ClinVar:

ClinVar aggregate classification (germline): Uncertain significance. Review status: criteria provided, multiple submitters, no conflicts (2 of 4 stars). 2 submissions from 2 submitters: Uncertain significance (2). Last evaluated 2022-07-01.

Conditions:
Hereditary spastic paraplegia 50 (SPG50). Also called: Spastic paraplegia 50, autosomal recessive. Identifiers: Orphanet 280763, MedGen C2752008, MONDO:0013048, OMIM 612936.

gnomAD v4.1: 2 of 1,613,966 alleles (0.00012%); highest among the groups gnomAD compares: East Asian, 0.0022%; no homozygotes.

Submissions (2):

Labcorp Genetics (formerly Invitae), Labcorp
Classification: Uncertain significance for Hereditary spastic paraplegia 50. Last evaluated: 2022-07-01. Review status: criteria provided, single submitter. Criteria: Invitae Variant Classification Sherloc (09022015). Collection method: clinical testing. Allele origin: germline.
Comment: In summary, the available evidence is currently insufficient to determine the role of this variant in disease. Therefore, it has been classified as a Variant of Uncertain Significance. Algorithms developed to predict the effect of missense changes on protein structure and function (SIFT, PolyPhen-2, Align-GVGD) all suggest that this variant is likely to be disruptive. This variant has not been reported in the literature in individuals affected with AP4M1-related conditions. This variant is present in population databases (no rsID available, gnomAD 0.003%). This sequence change replaces glutamic acid, which is acidic and polar, with lysine, which is basic and polar, at codon 111 of the AP4M1 protein (p.Glu111Lys).

Blueprint Genetics
Classification: Uncertain significance. Last evaluated: 2022-06-27. Review status: criteria provided, single submitter. Criteria: ACMG Guidelines, 2015. Collection method: clinical testing. Allele origin: germline.

NM_004722.4(AP4M1):c.331G>A (p.Glu111Lys)

Gene: AP4M1 (adaptor related protein complex 4 subunit mu 1; plus strand). Cytogenetic location: 7q22.1.
Variant type: single nucleotide variant.
Coding change: c.331G>A on transcript NM_004722.4 (MANE Select); coding-DNA position 331, G replaced by A.
Protein change: p.Glu111Lys; replaces glutamic acid 111 with lysine.
Molecular consequence: missense variant.
Genome position (GRCh38, 1-based): chr7:100,102,940, G>A. VCF-style: chr7-100102940-G-A. GRCh37 (hg19) VCF-style: chr7-99700563-G-A.
Other names: c.352G>A, p.Glu118Lys (NM_001363671.2); short protein forms E118K, E111K.
Identifiers: ClinVar variation 2199830 (VCV002199830.5), dbSNP rs757419197, ClinGen allele CA368466564.